The following is an entry in ClinVar:

NM_015466.4(PTPN23):c.3620G>A (p.Arg1207Gln)

Gene: PTPN23 (protein tyrosine phosphatase non-receptor type 23; plus strand). Cytogenetic location: 3p21.31.
Variant type: single nucleotide variant.
Coding change: c.3620G>A on transcript NM_015466.4 (MANE Select); coding-DNA position 3620, G replaced by A.
Protein change: p.Arg1207Gln; replaces arginine 1207 with glutamine.
Molecular consequence: missense variant.
Genome position (GRCh38, 1-based): chr3:47,411,418, G>A. VCF-style: chr3-47411418-G-A. GRCh37 (hg19) VCF-style: chr3-47452908-G-A.
Other names: c.3242G>A, p.Arg1081Gln (NM_001304482.2); c.3620G>A (NM_015466.2); short protein forms R1081Q, R1207Q.
Identifiers: ClinVar variation 2049396 (VCV002049396.3), dbSNP rs1248812130, ClinGen allele CA352563074.

ClinVar aggregate classification (germline): Uncertain significance. Review status: criteria provided, multiple submitters, no conflicts (2 of 4 stars). 2 submissions from 2 submitters: Uncertain significance (2). Last evaluated 2025-04-12.

Conditions:
Inborn genetic diseases. Identifiers: MedGen C0950123, MeSH D030342.

Allele frequency attached by ClinVar (database versions not stated): TOPMed 0.00001.
gnomAD v4.1: 7 of 1,613,070 alleles (0.00043%); highest among the groups gnomAD compares: Non-Finnish European, 0.00042%; no homozygotes.

Submissions (2):

Ambry Genetics
Classification: Uncertain significance for Inborn genetic diseases. Last evaluated: 2025-04-12. Review status: criteria provided, single submitter. Criteria: Ambry Variant Classification Scheme 2023. Collection method: clinical testing. Allele origin: germline.

Labcorp Genetics (formerly Invitae), Labcorp
Classification: Uncertain significance. Last evaluated: 2023-08-04. Review status: criteria provided, single submitter. Criteria: Invitae Variant Classification Sherloc (09022015). Collection method: clinical testing. Allele origin: germline.
Comment: This variant is present in population databases (no rsID available, gnomAD 0.0009%). In summary, the available evidence is currently insufficient to determine the role of this variant in disease. Therefore, it has been classified as a Variant of Uncertain Significance. An algorithm developed to predict the effect of missense changes on protein structure and function (PolyPhen-2) suggests that this variant is likely to be disruptive. ClinVar contains an entry for this variant (Variation ID: 2049396). This variant has not been reported in the literature in individuals affected with PTPN23-related conditions. This sequence change replaces arginine, which is basic and polar, with glutamine, which is neutral and polar, at codon 1207 of the PTPN23 protein (p.Arg1207Gln).